The following is an entry in ClinVar:

ClinVar aggregate classification (germline): Pathogenic (1 of 4 stars; one submission).

Conditions:
PCNT-related disorder. Also called: PCNT-related condition.

Submission:

PreventionGenetics, part of Exact Sciences
Classification: Pathogenic for PCNT-related condition. Last evaluated: 2024-10-16. Review status: criteria provided, single submitter. Criteria: ACMG Guidelines, 2015. Collection method: clinical testing. Allele origin: germline.
Comment: The PCNT c.7449delT variant is predicted to result in a frameshift and premature protein termination (p.His2484Thrfs*47). This variant was reported in the compound heterozygous state in an individual with severe growth retardation and microcephaly (Neuheuser et al. 2019. PubMed ID: 30610903). This variant has not been reported in a large population database (gnomAD), indicating this variant is rare. Frameshift variants in PCNT are expected to be pathogenic. This variant is interpreted as pathogenic.

NM_006031.6(PCNT):c.7449del (p.His2484fs)

Gene: PCNT (pericentrin; plus strand). Cytogenetic location: 21q22.3.
Variant type: Deletion.
Coding change: c.7449del on transcript NM_006031.6 (MANE Select); coding-DNA position 7449, one base deleted (T; older notation c.7449delT).
Protein change: p.His2484fs; shifts the reading frame from histidine 2484.
Molecular consequence: frameshift variant.
Genome position (GRCh38, 1-based): chr21:46,427,750, T deleted. VCF-style (leftmost placement, unchanged base first): chr21-46427749-GT-G. GRCh37 (hg19) VCF-style: chr21-47847663-GT-G.
Other names: c.7095del, p.His2366fs (NM_001315529.2); short protein forms H2366fs, H2484fs.
Identifiers: ClinVar variation 4996866 (VCV004996866.1).